The following is an entry in ClinVar:

NM_002180.3(IGHMBP2):c.381C>G (p.Ser127Arg)

Gene: IGHMBP2 (immunoglobulin mu DNA binding protein 2; plus strand). Cytogenetic location: 11q13.3.
Variant type: single nucleotide variant.
Coding change: c.381C>G on transcript NM_002180.3 (MANE Select); coding-DNA position 381, C replaced by G.
Protein change: p.Ser127Arg; replaces serine 127 with arginine.
Molecular consequence: missense variant.
Genome position (GRCh38, 1-based): chr11:68,908,269, C>G. VCF-style: chr11-68908269-C-G. GRCh37 (hg19) VCF-style: chr11-68675737-C-G.
Other names: short protein forms S127R.
Identifiers: ClinVar variation 245834 (VCV000245834.10), dbSNP rs775782198, ClinGen allele CA6153272.
Genomic context (GRCh38, chr11:68,908,269, plus strand): 5'-CCGGGTCACCCAGAAGTCGGTCACGGTGGCCTTTGATGAGTCCCACGATTTCCAGTTGAG[C>G]TTGGACCGAGAGAATTCCTACAGACTGTTAAAACTTGCCAATGATGTCACTTACAGGCGA-3'
Protein context (NP_002171.2, residues 117-137): AFDESHDFQL[Ser127Arg]LDRENSYRLL

ClinVar aggregate classification (germline): Uncertain significance. Review status: criteria provided, multiple submitters, no conflicts (2 of 4 stars). 5 submissions from 5 submitters: Uncertain significance (5). Last evaluated 2025-06-18.

Conditions:
Inborn genetic diseases. Identifiers: MedGen C0950123, MeSH D030342.
Autosomal recessive distal spinal muscular atrophy 1. Also called: HMN VI; NEURONOPATHY, SEVERE INFANTILE AXONAL, WITH RESPIRATORY FAILURE; NEURONOPATHY, DISTAL HEREDITARY MOTOR, HARDING TYPE VI; NEUROPATHY, DISTAL HEREDITARY MOTOR, AUTOSOMAL RECESSIVE 1; SEVERE INFANTILE AXONAL NEUROPATHY WITH RESPIRATORY FAILURE; SPINAL MUSCULAR ATROPHY, DIAPHRAGMATIC. Identifiers: Orphanet 98920, MedGen C1858517, MONDO:0011436, OMIM 604320.
Charcot-Marie-Tooth disease axonal type 2S. Also called: CHARCOT-MARIE-TOOTH DISEASE, AXONAL, AUTOSOMAL RECESSIVE, TYPE 2S; CHARCOT-MARIE-TOOTH NEUROPATHY, TYPE 2S. Identifiers: Orphanet 443073, MedGen C4015349, MONDO:0014511, OMIM 616155.
Charcot-Marie-Tooth disease. Also called: Charcot-Marie-Tooth Neuropathy; Charcot-Marie-Tooth Hereditary Neuropathy. Identifiers: Orphanet 166, MedGen C0007959, MONDO:0015626.

Allele frequency attached by ClinVar (database versions not stated): gnomAD 0.00001; gnomAD exomes 0.00001 and 0.00002; TOPMed 0.00001; ExAC 0.00002.
gnomAD v4.1: 20 of 1,614,018 alleles (0.0012%); highest among the groups gnomAD compares: Non-Finnish European, 0.0015%; no homozygotes.

Submissions (5):

Ambry Genetics
Classification: Uncertain significance for Inborn genetic diseases. Last evaluated: 2025-06-18. Review status: criteria provided, single submitter. Criteria: Ambry Variant Classification Scheme 2023. Collection method: clinical testing. Allele origin: germline.

Labcorp Genetics (formerly Invitae), Labcorp
Classification: Uncertain significance for Autosomal recessive distal spinal muscular atrophy 1; Charcot-Marie-Tooth disease axonal type 2S. Last evaluated: 2021-12-23. Review status: criteria provided, single submitter. Criteria: Invitae Variant Classification Sherloc (09022015). Collection method: clinical testing. Allele origin: germline.
Comment: This sequence change replaces serine, which is neutral and polar, with arginine, which is basic and polar, at codon 127 of the IGHMBP2 protein (p.Ser127Arg). This variant is present in population databases (rs775782198, gnomAD 0.004%). This variant has not been reported in the literature in individuals affected with IGHMBP2-related conditions. ClinVar contains an entry for this variant (Variation ID: 245834). Advanced modeling of protein sequence and biophysical properties (such as structural, functional, and spatial information, amino acid conservation, physicochemical variation, residue mobility, and thermodynamic stability) performed at Invitae indicates that this missense variant is not expected to disrupt IGHMBP2 protein function. Algorithms developed to predict the effect of sequence changes on RNA splicing suggest that this variant may create or strengthen a splice site. In summary, the available evidence is currently insufficient to determine the role of this variant in disease. Therefore, it has been classified as a Variant of Uncertain Significance.

Illumina Laboratory Services, Illumina
Classification: Uncertain significance for Autosomal recessive distal spinal muscular atrophy 1. Last evaluated: 2018-01-13. Review status: criteria provided, single submitter. Criteria: ICSL Variant Classification Criteria 13 December 2019. Collection method: clinical testing. Allele origin: germline.

GeneDx
Classification: Uncertain significance. Last evaluated: 2015-07-13. Review status: criteria provided, single submitter. Criteria: GeneDx Variant Classification (06012015). Collection method: clinical testing. Allele origin: germline. Affected: yes.
Comment: The S127R variant has not been published as pathogenic, nor has it been reported as a benign polymorphism to our knowledge. It was not observed in approximately 6,500 individuals of European and African American ancestry in the NHLBI Exome Sequencing Project, indicating it is not a common benign variant in these populations. The S127R variant is a semi-conservative amino acid substitution, which may impact secondary protein structure as these residues differ in some properties. However, this substitution occurs at a position that is not conserved, and Arginine is observed at this position in evolution. Additionally, in silico analysis predicts the S127R variant likely does not alter the protein structure/function. Therefore, based on the currently available information, it is unclear whether this variant is a pathogenic or a rare benign variant.

Molecular Genetics Laboratory, London Health Sciences Centre
Classification: Uncertain significance for Charcot-Marie-Tooth disease. Review status: criteria provided, single submitter. Criteria: ACMG Guidelines, 2015. Collection method: clinical testing. Allele origin: germline. Affected: yes.